The following is an entry in ClinVar:

ClinVar aggregate classification (germline): Pathogenic. Review status: criteria provided, multiple submitters, no conflicts (2 of 4 stars). 3 submissions from 3 submitters: Pathogenic (3). Last evaluated 2025-02-25.

Conditions:
Medium-chain acyl-coenzyme A dehydrogenase deficiency (ACADMD). Also called: CARNITINE DEFICIENCY SECONDARY TO MEDIUM-CHAIN ACYL-CoA DEHYDROGENASE DEFICIENCY; MCAD Deficiency; MCADD; Medium chain acyl-CoA dehydrogenase deficiency; MCADH DEFICIENCY; ACADM DEFICIENCY. Identifiers: Orphanet 42, MedGen C0220710, MONDO:0008721, OMIM 201450.

gnomAD v4.1: 1 of 1,612,082 alleles (0.000062%); highest among the groups gnomAD compares: Non-Finnish European, 0.000085%; no homozygotes.

Submissions (3):

Natera, Inc.
Classification: Pathogenic for Medium Chain Acyl-CoA Dehydrogenase Deficiency. Last evaluated: 2025-02-25. Review status: criteria provided, single submitter. Criteria: Natera Variant Classification Schema (03/2026). Collection method: clinical testing. Allele origin: germline.
Comment: The c.216+2T>G variant in ACADM is a canonical splice donor site variant predicted to affect pre-mRNA splicing, which may result in an abnormal transcript and altered protein product. This variant is expected to result in nonsense mediated decay, truncation, or a dysfunctional protein product. This variant is rare in the general population with a frequency below the threshold expected for the associated phenotype(s). Another variant at this same site results in an alteration predicted to cause a similar molecular effect has been observed in individual(s) with the associated phenotype. Given the available evidence, this variant is classified as Pathogenic.

Labcorp Genetics (formerly Invitae), Labcorp
Classification: Pathogenic for Medium-chain acyl-coenzyme A dehydrogenase deficiency. Last evaluated: 2023-11-06. Review status: criteria provided, single submitter. Criteria: Invitae Variant Classification Sherloc (09022015). Collection method: clinical testing. Allele origin: germline.
Comment: This sequence change affects a donor splice site in intron 3 of the ACADM gene. It is expected to disrupt RNA splicing. Variants that disrupt the donor or acceptor splice site typically lead to a loss of protein function (PMID: 16199547), and loss-of-function variants in ACADM are known to be pathogenic (PMID: 16121256, 20434380). This variant is not present in population databases (gnomAD no frequency). Disruption of this splice site has been observed in individual(s) with MCAD deficiency (PMID: 22796001). ClinVar contains an entry for this variant (Variation ID: 92260). Algorithms developed to predict the effect of sequence changes on RNA splicing suggest that this variant may disrupt the consensus splice site. For these reasons, this variant has been classified as Pathogenic.

Eurofins Ntd Llc (ga)
Classification: Pathogenic. Last evaluated: 2012-11-01. Review status: criteria provided, single submitter. Criteria: EGL Classification Definitions. Collection method: clinical testing. Allele origin: germline. Observed: 1 variant allele, 1 heterozygote.

Literature cited by the submitters: PubMed 16199547 (cited by Labcorp Genetics (formerly Invitae), Labcorp); PubMed 16121256 (cited by Labcorp Genetics (formerly Invitae), Labcorp); PubMed 20434380 (cited by Labcorp Genetics (formerly Invitae), Labcorp); PubMed 22796001 (cited by Labcorp Genetics (formerly Invitae), Labcorp).

NM_000016.6(ACADM):c.216+2T>G

Gene: ACADM (acyl-CoA dehydrogenase medium chain; plus strand). Cytogenetic location: 1p31.1.
Variant type: single nucleotide variant.
Coding change: c.216+2T>G on transcript NM_000016.6 (MANE Select); the canonical splice donor site of the intron after coding-DNA position 216, T replaced by G.
Molecular consequence: splice donor variant.
Genome position (GRCh38, 1-based): chr1:75,732,743, T>G. VCF-style: chr1-75732743-T-G. GRCh37 (hg19) VCF-style: chr1-76198428-T-G.
Other names: c.216+2T>G (NM_000016.5, NM_001286043.2); c.228+2T>G (NM_001127328.3); c.108+2T>G (NM_001286042.2); c.-170+2T>G (NM_001286044.2).
Identifiers: ClinVar variation 92260 (VCV000092260.13), dbSNP rs398123073, ClinGen allele CA220175.
Genomic context (GRCh38, chr1:75,732,743, plus strand): 5'-GTAAATTTGCCAGAGAGGAAATCATCCCAGTGGCTGCAGAATATGATAAAACTGGTGAAG[T>G]AGGTATATACATTTTAAAGAGGGAAAAATCTTTTACATTTTTTACAAGATTATGTAATCA-3'